The following is an entry in ClinVar:

ClinVar aggregate classification (germline): Conflicting classifications of pathogenicity. Review status: criteria provided, conflicting classifications (1 of 4 stars). 2 submissions from 2 submitters: Uncertain significance (1); Likely benign (1). Last evaluated 2025-09-01.

Conditions:
Ullrich congenital muscular dystrophy 2 (UCMD2). Identifiers: Orphanet 75840, MedGen C4225314, MONDO:0014654, OMIM 616470.
Bethlem myopathy 2 (BTHLM2). Identifiers: Orphanet 536516, Orphanet 610, MedGen C4225313, MONDO:0034022, OMIM 616471.

Allele frequency attached by ClinVar (database versions not stated): gnomAD exomes 0.00002 and 0.00005; 1000 Genomes Project 0.00020; gnomAD 0.00006; 1000 Genomes Project 30x 0.00016; TOPMed 0.00003; ExAC 0.00005.

Submissions (2):

Labcorp Genetics (formerly Invitae), Labcorp
Classification: Likely benign for Bethlem myopathy 2; Ullrich congenital muscular dystrophy 2. Last evaluated: 2025-09-01. Review status: criteria provided, single submitter. Criteria: Invitae Variant Classification Sherloc (09022015). Collection method: clinical testing. Allele origin: germline.

GeneDx
Classification: Uncertain significance. Last evaluated: 2024-08-30. Review status: criteria provided, single submitter. Criteria: GeneDx Variant Classification Process June 2021. Collection method: clinical testing. Allele origin: germline. Affected: yes.
Comment: Has not been previously published as pathogenic or benign to our knowledge; In silico analysis supports that this missense variant has a deleterious effect on protein structure/function

NM_004370.6(COL12A1):c.6073C>T (p.Arg2025Cys)

Gene: COL12A1 (collagen type XII alpha 1 chain; minus strand). Cytogenetic location: 6q13.
Variant type: single nucleotide variant.
Coding change: c.6073C>T on transcript NM_004370.6 (MANE Select); coding-DNA position 6073, C replaced by T.
Protein change: p.Arg2025Cys; replaces arginine 2025 with cysteine.
Molecular consequence: missense variant.
Genome position (GRCh38, 1-based): chr6:75,130,228, G>A on the plus strand (C>T on the coding strand, the complement: COL12A1 is on the minus strand). VCF-style: chr6-75130228-G-A. GRCh37 (hg19) VCF-style: chr6-75839944-G-A.
Other names: c.6073C>T (NM_004370.5); c.2581C>T, p.Arg861Cys (NM_080645.3); short protein forms R2025C, R861C.
Identifiers: ClinVar variation 1519565 (VCV001519565.9), dbSNP rs534778154, ClinGen allele CA3892901.